The following is an entry in ClinVar:

ClinVar aggregate classification (germline): Uncertain significance (1 of 4 stars; one submission).

Allele frequency attached by ClinVar (database versions not stated): gnomAD exomes 0.00001; TOPMed 0.00002; gnomAD 0.00003.
gnomAD v4.1: 6 of 420,700 alleles (0.0014%); highest among the groups gnomAD compares: Non-Finnish European, 0.0026%; no homozygotes.

Submission:

GeneDx
Classification: Uncertain significance. Last evaluated: 2016-12-22. Review status: criteria provided, single submitter. Criteria: GeneDx Variant Classification (06012015). Collection method: clinical testing. Allele origin: germline. Affected: yes.
Comment: This variant is denoted CHEK2 c.-7+8A>C or IVS1+8A>C and consists of an A>C nucleotide substitution at the +8 position of intron 1 of the CHEK2 gene. This variant is not predicted to cause abnormal splicing; however, in the absence of RNA or functional studies, the actual effect of this variant is unknown. This variant has not, to our knowledge, been published in the literature as pathogenic or benign. CHEK2 c.-7+8A>C was not observed in the populations of 1000 Genomes. The adenine (A) nucleotide that is altered is not conserved across species. Based on currently available information, it is unclear whether CHEK2 c.-7+8A>C is pathogenic or benign. We consider it to be a variant of uncertain significance.

NM_007194.4(CHEK2):c.-7+8A>C

Genes: CHEK2 (checkpoint kinase 2; minus strand), LOC130067165 (ATAC-STARR-seq lymphoblastoid active region 18804; plus strand). Cytogenetic location: 22q12.1.
Variant type: single nucleotide variant.
Coding change: c.-7+8A>C on transcript NM_007194.4 (MANE Select); 8 bases into the intron after 7 bases upstream of the start codon, A replaced by C.
Molecular consequence: intron variant.
Genome position (GRCh38, 1-based): chr22:28,741,761, T>G on the plus strand (A>C on the coding strand, the complement: CHEK2 is on the minus strand). VCF-style: chr22-28741761-T-G. GRCh37 (hg19) VCF-style: chr22-29137749-T-G.
Other names: c.-345+8A>C (NM_001437942.1); c.-7+8A>C (NM_001349956.3, NM_145862.3, NM_001438295.1 and 3 more transcripts); c.-784+8A>C (NM_001257387.3).
Identifiers: ClinVar variation 422958 (VCV000422958.2), dbSNP rs1006865074, ClinGen allele CA16621090.